The following is an entry in ClinVar:

NM_014233.4(UBTF):c.2088TGA[1] (p.Asp697del)

Genes: ATXN7L3-AS1 (ATXN7L3 antisense RNA 1; plus strand), UBTF (upstream binding transcription factor; minus strand). Cytogenetic location: 17q21.31.
Variant type: Microsatellite.
Coding change: c.2088TGA[1] on transcript NM_014233.4 (MANE Select); one copy of the 3-base unit TGA starting at c.2088; the reference has two copies in a row; one copy, 3 bases deleted.
Protein change: p.Asp697del; deletes aspartic acid 697.
Molecular consequence: non-coding transcript variant (on NR_045058.2).
Genome position (GRCh38, 1-based): chr17:44,207,530-44,207,532, TCA deleted on the plus strand (TGA on the coding strand, the reverse complement: UBTF is on the minus strand); deleting any 3 consecutive bases within chr17:44,207,530-44,207,537 gives the same sequence; the position shown is the placement nearest the transcript's 3' end. VCF-style (leftmost placement, unchanged base first): chr17-44207529-CTCA-C. GRCh37 (hg19) VCF-style: chr17-42284897-CTCA-C.
Other names: c.1977TGA[1], p.Asp660del (NM_001076683.2, NM_001076684.3); short protein forms D660del, D697del.
Identifiers: ClinVar variation 3365492 (VCV003365492.2).
Genomic context (GRCh38, chr17:44,207,529, plus strand): 5'-GCTCTCGTCCTCGCTGCTGGACTCAGAGGAGTCGCCGCCATCTTCAGAGGAGTCCCCATT[CTCA>C]TCATCTTCCTCTTCTTCATCCTCGTCCTCGTCATCCTCATCCTCTTCATCATCCTCCTCG-3'

ClinVar aggregate classification (germline): Uncertain significance (1 of 4 stars; one submission).

Submission:

GeneDx
Classification: Uncertain significance. Last evaluated: 2024-12-18. Review status: criteria provided, single submitter. Criteria: GeneDx Variant Classification Process June 2021. Collection method: clinical testing. Allele origin: germline.
Comment: Not observed at significant frequency in large population cohorts (gnomAD); In-frame deletion of 1 amino acid in a non-repeat region; In silico analysis indicates that this variant does not alter protein structure/function; Has not been previously published as pathogenic or benign to our knowledge